The following is an entry in ClinVar:

NM_020791.4(TAOK1):c.989A>T (p.Glu330Val)

Gene: TAOK1 (TAO kinase 1; plus strand). Cytogenetic location: 17q11.2.
Variant type: single nucleotide variant.
Coding change: c.989A>T on transcript NM_020791.4 (MANE Select); coding-DNA position 989, A replaced by T.
Protein change: p.Glu330Val; replaces glutamic acid 330 with valine.
Molecular consequence: missense variant.
Genome position (GRCh38, 1-based): chr17:29,495,717, A>T. VCF-style: chr17-29495717-A-T. GRCh37 (hg19) VCF-style: chr17-27822735-A-T.
Other names: c.989A>T, p.Glu330Val (NM_025142.1); short protein forms E330V.
Identifiers: ClinVar variation 4632641 (VCV004632641.1).

ClinVar aggregate classification (germline): Uncertain significance (1 of 4 stars; one submission).

Conditions:
Inborn genetic diseases. Identifiers: MedGen C0950123, MeSH D030342.

gnomAD v4.1: 11 of 1,602,742 alleles (0.00069%); highest among the groups gnomAD compares: Non-Finnish European, 0.00094%; no homozygotes.

Submission:

Ambry Genetics
Classification: Uncertain significance for Inborn genetic diseases. Last evaluated: 2025-10-21. Review status: criteria provided, single submitter. Criteria: Ambry Variant Classification Scheme 2023. Collection method: clinical testing. Allele origin: germline.
Comment: The c.989A>T (p.E330V) alteration is located in exon 11 (coding exon 10) of the TAOK1 gene. This alteration results from a A to T substitution at nucleotide position 989, causing the glutamic acid (E) at amino acid position 330 to be replaced by a valine (V). Based on data from gnomAD, the T allele has an overall frequency of <0.001% (1/245562) total alleles studied. The highest observed frequency was 0.001% (1/111876) of European (non-Finnish) alleles. Based on insufficient or conflicting evidence, the clinical significance of this alteration remains unclear.